The following is an entry in ClinVar:

NM_001100913.3(PACS2):c.2649G>A (p.Ala883=)

Gene: PACS2 (phosphofurin acidic cluster sorting protein 2; plus strand). Cytogenetic location: 14q32.33.
Variant type: single nucleotide variant.
Coding change: c.2649G>A on transcript NM_001100913.3 (MANE Select); coding-DNA position 2649, G replaced by A.
Protein change: p.Ala883=; no amino-acid change (alanine 883 retained).
Molecular consequence: synonymous variant.
Genome position (GRCh38, 1-based): chr14:105,394,606, G>A. VCF-style: chr14-105394606-G-A. GRCh37 (hg19) VCF-style: chr14-105860943-G-A.
Other names: c.2379G>A, p.Ala793= (NM_001243127.3); c.2604G>A, p.Ala868= (NM_015197.4).
Identifiers: ClinVar variation 1650115 (VCV001650115.33), dbSNP rs372171573, ClinGen allele CA7389365.
Genomic context (GRCh38, chr14:105,394,606, plus strand): 5'-TCCCACAGTCCTCATCGACGGCGTGGAGTGCAGCGACGTCAAGTTCTTCCAGCTGGCCGC[G>A]CAGTGGTCCTCGCACGTGAAGCACTTCCCCATCTGCATCTTCGGACACTCCAAGGCCACC-3'
Protein context (NP_001094383.2, residues 873-893): CSDVKFFQLA[Ala883=]QWSSHVKHFP

ClinVar aggregate classification (germline): Likely benign. Review status: criteria provided, multiple submitters, no conflicts (2 of 4 stars). 3 submissions from 3 submitters: Likely benign (3). Last evaluated 2025-11-17.

Allele frequency attached by ClinVar (database versions not stated): ExAC 0.00002; gnomAD 0.00003 and 0.00027; gnomAD exomes 0.00003 and 0.00007; ESP Exome Variant Server 0.00008; TOPMed 0.00028.

Submissions (3):

Labcorp Genetics (formerly Invitae), Labcorp
Classification: Likely benign. Last evaluated: 2025-11-17. Review status: criteria provided, single submitter. Criteria: Invitae Variant Classification Sherloc (09022015). Collection method: clinical testing. Allele origin: germline.

Blueprint Genetics
Classification: Likely benign. Last evaluated: 2024-09-11. Review status: criteria provided, single submitter. Criteria: ACMG Guidelines, 2015. Collection method: clinical testing. Allele origin: germline.

CeGaT Center for Human Genetics Tuebingen
Classification: Likely benign. Last evaluated: 2023-10-01. Review status: criteria provided, single submitter. Criteria: CeGaT Center For Human Genetics Tuebingen Variant Classification Criteria Version 2. Collection method: clinical testing. Allele origin: germline. Affected: yes. Observed: 1 variant allele.
Comment: PACS2: BP4, BP7